The following is an entry in ClinVar:

ClinVar aggregate classification (germline): Uncertain significance (1 of 4 stars; one submission).

Conditions:
Hereditary spastic paraplegia 15 (SPG15). Also called: SPASTIC PARAPLEGIA 15, AUTOSOMAL RECESSIVE; KJELLIN SYNDROME; SPASTIC PARAPLEGIA AND RETINAL DEGENERATION. Identifiers: Orphanet 100996, MedGen C1849128, MONDO:0010044, OMIM 270700.

Submission:

Myriad Genetics, Inc.
Classification: Uncertain significance for Hereditary spastic paraplegia 15. Last evaluated: 2026-06-29. Review status: criteria provided, single submitter. Criteria: Myriad Autosomal Dominant, Autosomal Recessive and X-Linked Classification Criteria (2023). Collection method: clinical testing. Allele origin: unknown.
Comment: NM_015346.3(ZFYVE26):c.4853_4858del6(L1618_D1619del) is an in-frame deletion classified as a variant of uncertain significance in the context of spastic paraplegia type 15. L1618_D1619del has not been observed in cases with relevant disease. Relevant functional assessments of this variant are not available in the literature. L1618_D1619del has not been observed in referenced population frequency databases. In summary, there is insufficient evidence to classify NM_015346.3(ZFYVE26):c.4853_4858del6(L1618_D1619del) as pathogenic or benign. Please note: this variant was assessed in the context of healthy population screening.

NM_015346.4(ZFYVE26):c.4853_4858del (p.Leu1618_Asp1619del)

Gene: ZFYVE26 (zinc finger FYVE-type containing 26; minus strand). Cytogenetic location: 14q24.1.
Variant type: Deletion.
Coding change: c.4853_4858del on transcript NM_015346.4 (MANE Select); coding-DNA positions 4853 to 4858, 6 bases deleted (TCGACC; older notation c.4853_4858delTCGACC).
Protein change: p.Leu1618_Asp1619del.
Molecular consequence: inframe deletion.
Genome position (GRCh38, 1-based): chr14:67,777,675-67,777,680, GGTCGA deleted on the plus strand (TCGACC on the coding strand, the reverse complement: ZFYVE26 is on the minus strand); deleting any 6 consecutive bases within chr14:67,777,675-67,777,682 gives the same sequence; the c. name uses the placement nearest the transcript's 3' end. VCF-style (leftmost placement, unchanged base first): chr14-67777674-TGGTCGA-T. GRCh37 (hg19) VCF-style: chr14-68244391-TGGTCGA-T.
Identifiers: ClinVar variation 5004761 (VCV005004761.1).